The following is an entry in ClinVar:

NM_000064.4(C3):c.1846-29_1846-14del

Gene: C3 (complement C3; minus strand). Cytogenetic location: 19p13.3.
Variant type: Deletion.
Coding change: c.1846-29_1846-14del on transcript NM_000064.4 (MANE Select); 29 bases into the intron before coding-DNA position 1846 through 14 bases into the intron before coding-DNA position 1846, 16 bases deleted (GCGTCCCGCCACCCCT).
Molecular consequence: intron variant.
Genome position (GRCh38, 1-based): chr19:6,707,943-6,707,958, AGGGGTGGCGGGACGC deleted on the plus strand (GCGTCCCGCCACCCCT on the coding strand, the reverse complement: C3 is on the minus strand); deleting any 16 consecutive bases within chr19:6,707,943-6,707,962 gives the same sequence; the c. name uses the placement nearest the transcript's 3' end. VCF-style (leftmost placement, unchanged base first): chr19-6707942-TAGGGGTGGCGGGACGC-T. GRCh37 (hg19) VCF-style: chr19-6707953-TAGGGGTGGCGGGACGC-T.
Identifiers: ClinVar variation 3655545 (VCV003655545.2).

ClinVar aggregate classification (germline): Uncertain significance (1 of 4 stars; one submission).

Submission:

Labcorp Genetics (formerly Invitae), Labcorp
Classification: Uncertain significance. Last evaluated: 2024-07-25. Review status: criteria provided, single submitter. Criteria: Invitae Variant Classification Sherloc (09022015). Collection method: clinical testing. Allele origin: germline.
Comment: This sequence change falls in intron 14 of the C3 gene. It does not directly change the encoded amino acid sequence of the C3 protein. This variant is not present in population databases (gnomAD no frequency). This variant has not been reported in the literature in individuals affected with C3-related conditions. Experimental studies and prediction algorithms are not available or were not evaluated, and the effect of this variant on mRNA splicing is currently unknown. In summary, the available evidence is currently insufficient to determine the role of this variant in disease. Therefore, it has been classified as a Variant of Uncertain Significance.